The following is an entry in ClinVar:

ClinVar aggregate classification (germline): Conflicting classifications of pathogenicity. Review status: criteria provided, conflicting classifications (1 of 4 stars). 2 submissions from 2 submitters: Uncertain significance (1); Likely benign (1). Last evaluated 2025-12-15.

Conditions:
Hereditary cancer-predisposing syndrome. Also called: Tumor predisposition; Hereditary neoplastic syndrome; Neoplastic Syndromes, Hereditary; Hereditary Cancer Syndrome. Identifiers: Orphanet 140162, MedGen C0027672, MeSH D009386, MONDO:0015356.
Familial meningioma. Also called: Meningioma, familial, susceptibility to. Identifiers: Orphanet 263662, MedGen C3551915, MONDO:0011789, OMIM 607174.

Allele frequency attached by ClinVar (database versions not stated): gnomAD exomes below 0.00001.

Submissions (2):

Labcorp Genetics (formerly Invitae), Labcorp
Classification: Uncertain significance for Familial meningioma. Last evaluated: 2025-12-15. Review status: criteria provided, single submitter. Criteria: Invitae Variant Classification Sherloc (09022015). Collection method: clinical testing. Allele origin: germline.
Comment: This sequence change replaces methionine, which is neutral and non-polar, with valine, which is neutral and non-polar, at codon 171 of the SMARCE1 protein (p.Met171Val). This variant is not present in population databases (gnomAD no frequency). This variant has not been reported in the literature in individuals affected with SMARCE1-related conditions. ClinVar contains an entry for this variant (Variation ID: 958306). Invitae Evidence Modeling of protein sequence and biophysical properties (such as structural, functional, and spatial information, amino acid conservation, physicochemical variation, residue mobility, and thermodynamic stability) indicates that this missense variant is not expected to disrupt SMARCE1 protein function with a negative predictive value of 80%. In summary, the available evidence is currently insufficient to determine the role of this variant in disease. Therefore, it has been classified as a Variant of Uncertain Significance.

Ambry Genetics
Classification: Likely benign for Hereditary cancer-predisposing syndrome. Last evaluated: 2024-04-12. Review status: criteria provided, single submitter. Criteria: Ambry Variant Classification Scheme 2023. Collection method: clinical testing. Allele origin: germline.

NM_003079.5(SMARCE1):c.511A>G (p.Met171Val)

Gene: SMARCE1 (SWI/SNF related BAF chromatin remodeling complex subunit E1; minus strand). Cytogenetic location: 17q21.2.
Variant type: single nucleotide variant.
Coding change: c.511A>G on transcript NM_003079.5 (MANE Select); coding-DNA position 511, A replaced by G.
Protein change: p.Met171Val; replaces methionine 171 with valine.
Molecular consequence: missense variant.
Genome position (GRCh38, 1-based): chr17:40,635,961, T>C on the plus strand (A>G on the coding strand, the complement: SMARCE1 is on the minus strand). VCF-style: chr17-40635961-T-C. GRCh37 (hg19) VCF-style: chr17-38792213-T-C.
Other names: short protein forms M171V.
Identifiers: ClinVar variation 958306 (VCV000958306.11), dbSNP rs2037142335, ClinGen allele CA399366284.